The following is an entry in ClinVar:

NM_153766.3(KCNJ1):c.241T>C (p.Tyr81His)

Gene: KCNJ1 (potassium inwardly rectifying channel subfamily J member 1; minus strand). Cytogenetic location: 11q24.3.
Variant type: single nucleotide variant.
Coding change: c.241T>C on transcript NM_153766.3 (MANE Select); coding-DNA position 241, T replaced by C.
Protein change: p.Tyr81His; replaces tyrosine 81 with histidine.
Molecular consequence: missense variant.
Genome position (GRCh38, 1-based): chr11:128,840,003, A>G on the plus strand (T>C on the coding strand, the complement: KCNJ1 is on the minus strand). VCF-style: chr11-128840003-A-G. GRCh37 (hg19) VCF-style: chr11-128709898-A-G.
Other names: c.298T>C, p.Tyr100His (NM_000220.6); c.241T>C, p.Tyr81His (NM_153764.3, NM_153767.4); c.292T>C, p.Tyr98His (NM_153765.3); short protein forms Y100H, Y81H, Y98H.
Identifiers: ClinVar variation 2664725 (VCV002664725.1), dbSNP rs2497572481, ClinGen allele CA383246538.

ClinVar aggregate classification (germline): Uncertain significance (1 of 4 stars; one submission).

Conditions:
Bartter disease type 2. Also called: Bartter syndrome, type 2, antenatal; HYPOKALEMIC ALKALOSIS WITH HYPERCALCIURIA 2, ANTENATAL; HYPERPROSTAGLANDIN E SYNDROME 2. Identifiers: Orphanet 112, Orphanet 620220, MedGen C1855849, MONDO:0009424, OMIM 241200.

Submission:

Genetics and Molecular Pathology, SA Pathology
Classification: Uncertain significance for Bartter disease type 2. Last evaluated: 2022-07-21. Review status: criteria provided, single submitter. Criteria: ACMG Guidelines, 2015. Collection method: clinical testing. Allele origin: germline. Inheritance: Autosomal recessive inheritance. Affected: yes.
Comment: The KCNJ1 c.241T>C variant is classified as a VARIANT of UNCERTAIN SIGNIFICANCE (PM2, PM5, PP3) The KCNJ1 c.241T>C variant is a single nucleotide change in exon 3/3 of the KCNJ1 gene, which is predicted to change the amino acid tyrosine at position 81 in the protein to histidine. This variant is absent from population databases (PM2). This variant is a novel missense change at an amino acid residue where a different missense change has been seen before (KCNJ1:c.242A>T; Tyr81Phe; PMID:18391953) (PM5). Computational predictions support a deleterious effect on the gene or gene product (PP3). This variant has not been reported in dbSNP, ClinVar or HGMD.

Literature cited by the submitters: PubMed 18391953.